The following is an entry in ClinVar:

ClinVar aggregate classification (germline): Likely pathogenic. Review status: criteria provided, multiple submitters, no conflicts (2 of 4 stars). 2 submissions from 2 submitters: Likely pathogenic (2). Last evaluated 2024-08-14.

Conditions:
Mitochondrial complex I deficiency. Also called: NADH:Q(1) OXIDOREDUCTASE DEFICIENCY. Identifiers: Orphanet 2609, MedGen C1838979, MeSH C537475, MONDO:0100133.
Acyl-CoA dehydrogenase 9 deficiency. Also called: Acyl-CoA dehydrogenase family, member 9, deficiency of; MITOCHONDRIAL COMPLEX I DEFICIENCY, NUCLEAR TYPE 20. Identifiers: Orphanet 99901, MedGen C4747517, MONDO:0012624, OMIM 611126.

Allele frequency attached by ClinVar (database versions not stated): gnomAD exomes below 0.00001; TOPMed 0.00001.
gnomAD v4.1: 3 of 1,614,188 alleles (0.00019%); highest among the groups gnomAD compares: Non-Finnish European, 0.00025%; no homozygotes.

Submissions (2):

Women's Health and Genetics/Laboratory Corporation of America, LabCorp
Classification: Likely pathogenic for Mitochondrial complex I deficiency. Last evaluated: 2024-08-14. Review status: criteria provided, single submitter. Criteria: LabCorp Variant Classification Summary - May 2015. Collection method: clinical testing. Allele origin: germline.
Comment: Variant summary: ACAD9 c.293T>C (p.Leu98Ser) results in a non-conservative amino acid change located in the Acyl-CoA dehydrogenase/oxidase, N-terminal (IPR013786) of the encoded protein sequence. Five of five in-silico tools predict a damaging effect of the variant on protein function. The variant was absent in 251330 control chromosomes. c.293T>C has been reported in the literature in at least one homozygous individual affected with ACAD9 deficiency (e.g. Schiff_2015, Repp_2018. These data indicate that the variant may be associated with disease. At least one publication reports experimental evidence evaluating an impact on protein function. The most pronounced variant effect results in 16% of WT ACAD9 activity in cell-free extracts following prokaryotic expression (Schiff_2015). The following publications have been ascertained in the context of this evaluation (PMID: 30025539, 25721401). ClinVar contains an entry for this variant (Variation ID: 2690504). The following publications have been ascertained in the context of this evaluation (PMID: 30025539, 25721401).Based on the evidence outlined above, the variant was classified as likely pathogenic.

Revvity Omics, Revvity
Classification: Likely pathogenic for Acyl-CoA dehydrogenase 9 deficiency. Last evaluated: 2023-02-16. Review status: criteria provided, single submitter. Criteria: ACMG Guidelines, 2015. Collection method: clinical testing. Allele origin: germline.

Literature cited by the submitters: PubMed 30025539 (cited by Women's Health and Genetics/Laboratory Corporation of America, LabCorp); PubMed 25721401 (cited by Women's Health and Genetics/Laboratory Corporation of America, LabCorp).

NM_014049.5(ACAD9):c.293T>C (p.Leu98Ser)

Gene: ACAD9 (acyl-CoA dehydrogenase family member 9; plus strand). Cytogenetic location: 3q21.3.
Variant type: single nucleotide variant.
Coding change: c.293T>C on transcript NM_014049.5 (MANE Select); coding-DNA position 293, T replaced by C.
Protein change: p.Leu98Ser; replaces leucine 98 with serine.
Molecular consequence: missense variant. On other transcripts: 5 prime UTR variant (1), non-coding transcript variant (1).
Genome position (GRCh38, 1-based): chr3:128,893,603, T>C. VCF-style: chr3-128893603-T-C. GRCh37 (hg19) VCF-style: chr3-128612446-T-C.
Other names: c.-77T>C (NM_001410805.1); short protein forms L98S.
Identifiers: ClinVar variation 2690504 (VCV002690504.3), dbSNP rs1012004126, ClinGen allele CA82524171.